The following is an entry in ClinVar:

NM_172107.4(KCNQ2):c.799G>A (p.Ala267Thr)

Gene: KCNQ2 (potassium voltage-gated channel subfamily Q member 2; minus strand). Cytogenetic location: 20q13.33.
Variant type: single nucleotide variant.
Coding change: c.799G>A on transcript NM_172107.4 (MANE Select); coding-DNA position 799, G replaced by A.
Protein change: p.Ala267Thr; replaces alanine 267 with threonine.
Molecular consequence: missense variant.
Genome position (GRCh38, 1-based): chr20:63,442,423, C>T on the plus strand (G>A on the coding strand, the complement: KCNQ2 is on the minus strand). VCF-style: chr20-63442423-C-T. GRCh37 (hg19) VCF-style: chr20-62073776-C-T.
Other names: c.799G>A, p.Ala267Thr (NM_001382235.1, NM_004518.6, NM_172106.3 and 2 more transcripts); short protein forms A267T.
Identifiers: ClinVar variation 1210663 (VCV001210663.13), dbSNP rs2145735332, ClinGen allele CA409653381.

ClinVar aggregate classification (germline): Conflicting classifications of pathogenicity. Review status: criteria provided, conflicting classifications (1 of 4 stars). 3 submissions from 3 submitters: Likely pathogenic (2); Uncertain significance (1). Last evaluated 2021-01-08.

Conditions:
Developmental and epileptic encephalopathy, 7 (DEE7). Also called: KCNQ2-Related Neonatal-Onset Developmental and Epileptic Encephalopathy (NEO-DEE); KCNQ2-Related Neonatal Epileptic Encephalopathy; Early infantile epileptic encephalopathy 7. Identifiers: Orphanet 439218, MedGen C3150986, MONDO:0013387, OMIM 613720.
Early-infantile DEE. Also called: Early infantile epileptic encephalopathy; Ohtahara syndrome; Early infantile epileptic encephalopathy with suppression bursts. Identifiers: Orphanet 1934, MedGen C0393706, MONDO:0800491.

Submissions (3):

Labcorp Genetics (formerly Invitae), Labcorp
Classification: Uncertain significance for Early-infantile DEE. Last evaluated: 2021-01-08. Review status: criteria provided, single submitter. Criteria: Invitae Variant Classification Sherloc (09022015). Collection method: clinical testing. Allele origin: germline.
Comment: In summary, the available evidence is currently insufficient to determine the role of this variant in disease. Therefore, it has been classified as a Variant of Uncertain Significance. Advanced modeling of protein sequence and biophysical properties (such as structural, functional, and spatial information, amino acid conservation, physicochemical variation, residue mobility, and thermodynamic stability) performed at Invitae indicates that this missense variant is expected to disrupt KCNQ2 protein function. This variant has not been reported in the literature in individuals with KCNQ2-related conditions. This variant is not present in population databases (ExAC no frequency). This sequence change replaces alanine with threonine at codon 267 of the KCNQ2 protein (p.Ala267Thr). The alanine residue is highly conserved and there is a small physicochemical difference between alanine and threonine.

GeneDx
Classification: Likely pathogenic. Last evaluated: 2019-05-02. Review status: criteria provided, single submitter. Criteria: GeneDx Variant Classification Process June 2021. Collection method: clinical testing. Allele origin: germline. Affected: yes.
Comment: Not observed in large population cohorts (Lek et al., 2016); The majority of missense variants in this gene are considered pathogenic (Stenson et al., 2014); In silico analysis, which includes protein predictors and evolutionary conservation, supports a deleterious effect; Has not been previously published as pathogenic or benign to our knowledge

Neuberg Centre For Genomic Medicine, NCGM
Classification: Likely pathogenic for Developmental and epileptic encephalopathy, 7. Review status: criteria provided, single submitter. Criteria: ACMG Guidelines, 2015. Collection method: clinical testing. Allele origin: germline. Affected: yes.
Comment: The missense variant p.A267T in KCNQ2 (NM_172107.4) has not been reported previously as a pathogenic variant nor as a benign variant, to our knowledge. The p.A267T variant is novel (not in any individuals) in gnomAD Exomes and is novel (not in any individuals) in 1000 Genomes. There is a small physicochemical difference between alanine and threonine, which is not likely to impact secondary protein structure as these residues share similar properties. The p.A267T missense variant is predicted to be damaging by both SIFT and PolyPhen2. The alanine residue at codon 267 of KCNQ2 is conserved in all mammalian species. The nucleotide c.799 in KCNQ2 is predicted conserved by GERP++ and PhyloP across 100 vertebrates. For these reasons, this variant has been classified as Uncertain Significance.